The following is an entry in ClinVar:

NM_000117.3(EMD):c.752G>A (p.Gly251Asp)

Gene: EMD (emerin; plus strand). Cytogenetic location: Xq28.
Variant type: single nucleotide variant.
Coding change: c.752G>A on transcript NM_000117.3 (MANE Select); coding-DNA position 752, G replaced by A.
Protein change: p.Gly251Asp; replaces glycine 251 with aspartic acid.
Molecular consequence: missense variant.
Genome position (GRCh38, 1-based): chrX:154,381,184, G>A. VCF-style: chrX-154381184-G-A. GRCh37 (hg19) VCF-style: chrX-153609544-G-A.
Other names: short protein forms G251D.
Identifiers: ClinVar variation 3647580 (VCV003647580.2).

ClinVar aggregate classification (germline): Uncertain significance (1 of 4 stars; one submission).

Conditions:
X-linked Emery-Dreifuss muscular dystrophy. Also called: Muscular dystrophy, tardive Emery-Dreifuss type, with contractures. Identifiers: Orphanet 261, Orphanet 98863, MedGen C0751337, MONDO:0010680.

Submission:

Labcorp Genetics (formerly Invitae), Labcorp
Classification: Uncertain significance for X-linked Emery-Dreifuss muscular dystrophy. Last evaluated: 2024-06-25. Review status: criteria provided, single submitter. Criteria: Invitae Variant Classification Sherloc (09022015). Collection method: clinical testing. Allele origin: germline.
Comment: This sequence change replaces glycine, which is neutral and non-polar, with aspartic acid, which is acidic and polar, at codon 251 of the EMD protein (p.Gly251Asp). This variant is not present in population databases (gnomAD no frequency). This variant has not been reported in the literature in individuals affected with EMD-related conditions. Algorithms developed to predict the effect of missense changes on protein structure and function output the following: SIFT: "Not Available"; PolyPhen-2: "Possibly Damaging"; Align-GVGD: "Not Available". The aspartic acid amino acid residue is found in multiple mammalian species, which suggests that this missense change does not adversely affect protein function. In summary, the available evidence is currently insufficient to determine the role of this variant in disease. Therefore, it has been classified as a Variant of Uncertain Significance.